The following is an entry in ClinVar:

NM_005324.5(H3-3B):c.52C>T (p.Arg18Cys)

Gene: H3-3B (H3.3 histone B; minus strand). Cytogenetic location: 17q25.1.
Variant type: single nucleotide variant.
Coding change: c.52C>T on transcript NM_005324.5 (MANE Select); coding-DNA position 52, C replaced by T.
Protein change: p.Arg18Cys; replaces arginine 18 with cysteine.
Molecular consequence: missense variant.
Genome position (GRCh38, 1-based): chr17:75,779,123, G>A on the plus strand (C>T on the coding strand, the complement: H3-3B is on the minus strand). VCF-style: chr17-75779123-G-A. GRCh37 (hg19) VCF-style: chr17-73775204-G-A.
Other names: short protein forms R18C.
Identifiers: ClinVar variation 2682274 (VCV002682274.2), dbSNP rs2545911172, ClinGen allele CA401118562.

ClinVar aggregate classification (germline): Pathogenic/Likely pathogenic. Review status: criteria provided, multiple submitters, no conflicts (2 of 4 stars). 2 submissions from 2 submitters: Pathogenic (1); Likely pathogenic (1). Last evaluated 2025-05-08.

Conditions:
Bryant-Li-Bhoj neurodevelopmental syndrome 2 (BRYLIB2). Also called: H3-3B syndrome. Identifiers: MedGen C5676906, MONDO:0030607, OMIM 619721. Disease mechanism: loss of function.

Submissions (2):

Institute of Human Genetics, University of Leipzig Medical Center
Classification: Pathogenic for Bryant-Li-Bhoj neurodevelopmental syndrome 2. Last evaluated: 2025-05-08. Review status: criteria provided, single submitter. Criteria: ACMG Guidelines, 2015. Collection method: clinical testing. Allele origin: unknown. Inheritance: Autosomal dominant inheritance. Affected: yes.
Comment: Criteria applied: PM1,PM2,PP2,PS2,PS4_MOD

Women's Health and Genetics/Laboratory Corporation of America, LabCorp
Classification: Likely pathogenic for Bryant-Li-Bhoj neurodevelopmental syndrome 2. Last evaluated: 2023-11-27. Review status: criteria provided, single submitter. Criteria: LabCorp Variant Classification Summary - May 2015. Collection method: clinical testing. Allele origin: germline.
Comment: Variant summary: H3-3B c.52C>T (p.Arg18Cys) results in a non-conservative amino acid change in the encoded protein sequence. Four of four in-silico tools predict a damaging effect of the variant on protein function. The variant was absent in 271178 control chromosomes (gnomAD). c.52C>T has been reported as a de novo variant in at least one individual with overlapped clinical features of Bryant-Li Neurodevelopmental Syndrome 2 (Internal data). These data indicate that the variant is very likely to be associated with disease. To our knowledge, no experimental evidence demonstrating an impact on protein function has been reported. No submitters have cited clinical-significance assessments for this variant to ClinVar after 2014. Based on the evidence outlined above, the variant was classified as likely pathogenic.